The following is an entry in ClinVar:

ClinVar aggregate classification (germline): Pathogenic (1 of 4 stars; one submission).

Conditions:
Maple syrup urine disease (MSUD). Identifiers: Orphanet 511, MedGen C0024776, MeSH D008375, MONDO:0009563. Disease mechanism: loss of function.

Submission:

Labcorp Genetics (formerly Invitae), Labcorp
Classification: Pathogenic for Maple syrup urine disease. Last evaluated: 2023-09-17. Review status: criteria provided, single submitter. Criteria: Invitae Variant Classification Sherloc (09022015). Collection method: clinical testing. Allele origin: germline.
Comment: For these reasons, this variant has been classified as Pathogenic. This variant has not been reported in the literature in individuals affected with BCKDHB-related conditions. This variant is not present in population databases (gnomAD no frequency). This sequence change creates a premature translational stop signal (p.Trp23*) in the BCKDHB gene. It is expected to result in an absent or disrupted protein product. Loss-of-function variants in BCKDHB are known to be pathogenic (PMID: 16786533, 22593002).

Literature cited by the submitters: PubMed 16786533; PubMed 22593002.

NM_183050.4(BCKDHB):c.68G>A (p.Trp23Ter)

Gene: BCKDHB (branched chain keto acid dehydrogenase E1 subunit beta; plus strand). Cytogenetic location: 6q14.1.
Variant type: single nucleotide variant.
Coding change: c.68G>A on transcript NM_183050.4 (MANE Select); coding-DNA position 68, G replaced by A.
Protein change: p.Trp23Ter; replaces tryptophan 23 with a stop codon.
Molecular consequence: nonsense. On other transcripts: 5 prime UTR variant (1), non-coding transcript variant (6), intron variant (1).
Genome position (GRCh38, 1-based): chr6:80,106,761, G>A. VCF-style: chr6-80106761-G-A. GRCh37 (hg19) VCF-style: chr6-80816478-G-A.
Other names: c.68G>A, p.Trp23Ter (NM_000056.5, NM_001424035.1, NM_001424036.1 and 8 more transcripts); c.-97G>A (NM_001424043.1); c.-15+78G>A (NM_001318975.1); short protein forms W23*.
Identifiers: ClinVar variation 2761180 (VCV002761180.3), dbSNP rs2533311576, ClinGen allele CA364658073.